The following is an entry in ClinVar:

ClinVar aggregate classification (germline): Pathogenic (1 of 4 stars; one submission).

Submission:

Labcorp Genetics (formerly Invitae), Labcorp
Classification: Pathogenic. Last evaluated: 2023-02-11. Review status: criteria provided, single submitter. Criteria: Invitae Variant Classification Sherloc (09022015). Collection method: clinical testing. Allele origin: germline.
Comment: For these reasons, this variant has been classified as Pathogenic. This sequence change creates a premature translational stop signal (p.Ser1471Phefs*7) in the UNC80 gene. It is expected to result in an absent or disrupted protein product. Loss-of-function variants in UNC80 are known to be pathogenic (PMID: 26545877, 26708751, 26708753). This variant is not present in population databases (gnomAD no frequency). This variant has not been reported in the literature in individuals affected with UNC80-related conditions.

Literature cited by the submitters: PubMed 26545877; PubMed 26708751; PubMed 26708753.

NM_001371986.1(UNC80):c.4609_4610del (p.Ser1537fs)

Gene: UNC80 (unc-80 subunit of NALCN channel complex; plus strand). Cytogenetic location: 2q34.
Variant type: Microsatellite.
Coding change: c.4609_4610del on transcript NM_001371986.1 (MANE Select); coding-DNA positions 4609 to 4610, 2 bases deleted (AG; older notation c.4609_4610delAG).
Protein change: p.Ser1537fs; shifts the reading frame from serine 1537.
Molecular consequence: frameshift variant.
Genome position (GRCh38, 1-based): chr2:209,904,792-209,904,793, AG deleted; deleting any 2 consecutive bases within chr2:209,904,790-209,904,793 gives the same sequence; the c. name uses the placement nearest the transcript's 3' end. VCF-style (leftmost placement, unchanged base first): chr2-209904789-CAG-C. GRCh37 (hg19) VCF-style: chr2-210769513-CAG-C.
Other names: c.4411_4412del, p.Ser1471fs (NM_032504.2); c.4396_4397del, p.Ser1466fs (NM_182587.4); short protein forms S1466fs, S1471fs, S1537fs.
Identifiers: ClinVar variation 2836425 (VCV002836425.3), dbSNP rs2471105635, ClinGen allele CA2739279942.